The following is an entry in ClinVar:

NM_003482.4(KMT2D):c.2277A>G (p.Pro759=)

Gene: KMT2D (lysine methyltransferase 2D; minus strand). Cytogenetic location: 12q13.12.
Variant type: single nucleotide variant.
Coding change: c.2277A>G on transcript NM_003482.4 (MANE Select); coding-DNA position 2277, A replaced by G.
Protein change: p.Pro759=; no amino-acid change (proline 759 retained).
Molecular consequence: synonymous variant.
Genome position (GRCh38, 1-based): chr12:49,051,406, T>C on the plus strand (A>G on the coding strand, the complement: KMT2D is on the minus strand). VCF-style: chr12-49051406-T-C. GRCh37 (hg19) VCF-style: chr12-49445189-T-C.
Identifiers: ClinVar variation 1254420 (VCV001254420.6), dbSNP rs1358870319, ClinGen allele CA6548296.
Genomic context (GRCh38, chr12:49,051,406, plus strand): 5'-TAGGCATGGCTCCTCAGGCTGGGGGGACAGGTGTGGCTCCTCAGCCTGCGGAGATAGGTG[T>C]GGCTCCTCAGGCCGGGGGGACAGGTGCGGCTCCTCAGGCCGGGGTGACAGGTGCGGCCCC-3'
Protein context (NP_003473.3, residues 749-769): EPHLSPRPEE[Pro759=]HLSPQAEEPH

ClinVar aggregate classification (germline): Benign/Likely benign. Review status: criteria provided, multiple submitters, no conflicts (2 of 4 stars). 3 submissions from 3 submitters: Benign (1); Likely benign (2). Last evaluated 2025-06-29.

Conditions:
KMT2D-related disorder. Also called: KMT2D-Related Disorders.
Kabuki syndrome. Also called: Kabuki make-up syndrome; NIIKAWA-KUROKI SYNDROME. Identifiers: Orphanet 2322, MedGen C0796004, MONDO:0016512.

Allele frequency attached by ClinVar (database versions not stated): ExAC 0.00001; gnomAD exomes 0.00001 and 0.00002.
gnomAD v4.1: 16 of 1,603,010 alleles (0.001%); highest among the groups gnomAD compares: East Asian, 0.0045%; no homozygotes.

Submissions (3):

Labcorp Genetics (formerly Invitae), Labcorp
Classification: Benign for Kabuki syndrome. Last evaluated: 2025-06-29. Review status: criteria provided, single submitter. Criteria: Invitae Variant Classification Sherloc (09022015). Collection method: clinical testing. Allele origin: germline.

PreventionGenetics, part of Exact Sciences
Classification: Likely benign for KMT2D-related condition. Last evaluated: 2025-05-26. Review status: criteria provided, single submitter. Criteria: ACMG Guidelines, 2015. Collection method: clinical testing. Allele origin: germline.
Comment: This variant is classified as likely benign based on ACMG/AMP sequence variant interpretation guidelines (Richards et al. 2015 PMID: 25741868, with internal and published modifications).

GeneDx
Classification: Likely benign. Last evaluated: 2021-02-16. Review status: criteria provided, single submitter. Criteria: GeneDx Variant Classification Process June 2021. Collection method: clinical testing. Allele origin: germline. Affected: yes.